The following is an entry in ClinVar:

NM_198123.2(CSMD3):c.8604A>T (p.Pro2868=)

Gene: CSMD3 (CUB and Sushi multiple domains 3; minus strand). Cytogenetic location: 8q23.3.
Variant type: single nucleotide variant.
Coding change: c.8604A>T on transcript NM_198123.2 (MANE Select); coding-DNA position 8604, A replaced by T.
Protein change: p.Pro2868=; no amino-acid change (proline 2868 retained).
Molecular consequence: synonymous variant.
Genome position (GRCh38, 1-based): chr8:112,295,843, T>A on the plus strand (A>T on the coding strand, the complement: CSMD3 is on the minus strand). VCF-style: chr8-112295843-T-A. GRCh37 (hg19) VCF-style: chr8-113308072-T-A.
Other names: c.8004A>T, p.Pro2668= (NM_001363185.1); c.8097A>T, p.Pro2699= (NM_052900.3); c.8484A>T, p.Pro2828= (NM_198124.2).
Identifiers: ClinVar variation 774463 (VCV000774463.5), dbSNP rs61754529, ClinGen allele CA4848928.
Genomic context (GRCh38, chr8:112,295,843, plus strand): 5'-ATTATTCCAAAGATCAGAGGTCTCTAATTGCTTTTGCCATGCTTACTTACGCACACAGGA[T>A]GGGAGCTGACCAGACCAATTGTGATCCTGTTGACATATCCTCACTGAAGAACCAATCAAT-3'
Protein context (NP_937756.1, residues 2858-2878): QQDHNWSGQL[Pro2868=]SCVPVSCGHP

ClinVar aggregate classification (germline): Benign. Review status: criteria provided, single submitter (1 of 4 stars). 2 submissions from 2 submitters: Benign (1). 1 of the submissions does not count toward it. Last evaluated 2018-02-20.

Conditions:
CSMD3-related disorder. Also called: CSMD3-related condition.

Allele frequency attached by ClinVar (database versions not stated): ExAC 0.00463; ESP Exome Variant Server 0.00531; gnomAD exomes 0.00635 and 0.00458; 1000 Genomes Project 30x 0.00078; 1000 Genomes Project 0.00100; TOPMed 0.00398; gnomAD 0.00446 and 0.00461.
gnomAD v4.1: 9,893 of 1,613,884 alleles (0.61%); highest among the groups gnomAD compares: Non-Finnish European, 0.75%; 35 homozygotes.

Submissions (2):

Labcorp Genetics (formerly Invitae), Labcorp
Classification: Benign. Last evaluated: 2018-02-20. Review status: criteria provided, single submitter. Criteria: Invitae Variant Classification Sherloc (09022015). Collection method: clinical testing. Allele origin: germline.

PreventionGenetics, part of Exact Sciences
Classification: Likely benign for CSMD3-related condition. Last evaluated: 2019-03-15. Review status: no assertion criteria provided. Collection method: clinical testing. Allele origin: germline. Not counted in ClinVar's aggregate classification.
Comment: This variant is classified as likely benign based on ACMG/AMP sequence variant interpretation guidelines (Richards et al. 2015 PMID: 25741868, with internal and published modifications).